The following is an entry in ClinVar:

NM_014141.6(CNTNAP2):c.2743C>T (p.Arg915Cys)

Gene: CNTNAP2 (contactin associated protein 2; plus strand). Cytogenetic location: 7q35.
Variant type: single nucleotide variant.
Coding change: c.2743C>T on transcript NM_014141.6 (MANE Select); coding-DNA position 2743, C replaced by T.
Protein change: p.Arg915Cys; replaces arginine 915 with cysteine.
Molecular consequence: missense variant.
Genome position (GRCh38, 1-based): chr7:148,147,679, C>T. VCF-style: chr7-148147679-C-T. GRCh37 (hg19) VCF-style: chr7-147844771-C-T.
Other names: short protein forms R915C.
Identifiers: ClinVar variation 859696 (VCV000859696.11), dbSNP rs756798140, ClinGen allele CA4546466.

ClinVar aggregate classification (germline): Uncertain significance. Review status: criteria provided, multiple submitters, no conflicts (2 of 4 stars). 2 submissions from 2 submitters: Uncertain significance (2). Last evaluated 2022-07-19.

Conditions:
Cortical dysplasia-focal epilepsy syndrome (PTHSL1). Also called: Pitt-Hopkins-like syndrome 1. Identifiers: Orphanet 163681, Orphanet 221150, MedGen C2750246, MONDO:0012400, OMIM 610042.

Allele frequency attached by ClinVar (database versions not stated): ExAC 0.00003; TOPMed 0.00004.
gnomAD v4.1: 31 of 1,613,766 alleles (0.0019%); highest among the groups gnomAD compares: Middle Eastern, 0.017%; no homozygotes.

Submissions (2):

Labcorp Genetics (formerly Invitae), Labcorp
Classification: Uncertain significance for Cortical dysplasia-focal epilepsy syndrome. Last evaluated: 2022-07-19. Review status: criteria provided, single submitter. Criteria: Invitae Variant Classification Sherloc (09022015). Collection method: clinical testing. Allele origin: germline.
Comment: This sequence change replaces arginine, which is basic and polar, with cysteine, which is neutral and slightly polar, at codon 915 of the CNTNAP2 protein (p.Arg915Cys). This variant is present in population databases (rs756798140, gnomAD 0.007%). This variant has not been reported in the literature in individuals affected with CNTNAP2-related conditions. ClinVar contains an entry for this variant (Variation ID: 859696). Algorithms developed to predict the effect of missense changes on protein structure and function (SIFT, PolyPhen-2, Align-GVGD) all suggest that this variant is likely to be disruptive. In summary, the available evidence is currently insufficient to determine the role of this variant in disease. Therefore, it has been classified as a Variant of Uncertain Significance.

Blueprint Genetics
Classification: Uncertain significance. Last evaluated: 2020-02-11. Review status: criteria provided, single submitter. Criteria: ACMG Guidelines, 2015. Collection method: clinical testing. Allele origin: germline.